The following is an entry in ClinVar:

NM_139058.3(ARX):c.426_449dup (p.Gly143_Ala150dup)

Genes: ARX (aristaless related homeobox; minus strand), LOC109610631 (aristaless related homeobox polyalanine expansion region; plus strand). Cytogenetic location: Xp21.3.
Variant type: Duplication.
Coding change: c.426_449dup on transcript NM_139058.3 (MANE Select); coding-DNA positions 426 to 449, 24 bases duplicated (AGGGGCCGCCGCGGCAGCCGCGGC).
Protein change: p.Gly143_Ala150dup.
Molecular consequence: inframe insertion.
Genome position (GRCh38, 1-based): chrX:25,013,546-25,013,569, GCCGCGGCTGCCGCGGCGGCCCCT duplicated on the plus strand (AGGGGCCGCCGCGGCAGCCGCGGC on the coding strand, the reverse complement: ARX is on the minus strand); duplicating any 24 consecutive bases within chrX:25,013,546-25,013,571 gives the same sequence; the c. name uses the placement nearest the transcript's 3' end. VCF-style (leftmost placement, unchanged base first): chrX-25013545-G-GGCCGCGGCTGCCGCGGCGGCCCCT. GRCh37 (hg19) VCF-style: chrX-25031662-G-GGCCGCGGCTGCCGCGGCGGCCCCT.
Other names: c.426_449dupAGGGGCCGCCGCGGCAGCCGCGGC (NM_139058.2); c.426_449dup24 (NM_139058.3).
Identifiers: ClinVar variation 590101 (VCV000590101.14), dbSNP rs1569395541, ClinGen allele CA891843651.
Genomic context (GRCh38, chrX:25,013,545, plus strand): 5'-GCTGATGCTCACCTGCGGCGCCTGGCTGATCTTGAGCGTGTCCCAGGCCGCGGCGGCCGC[G>GGCCGCGGCTGCCGCGGCGGCCCCT]GCCGCGGCTGCCGCGGCGGCCCCTGCGCCGTCCGGCCGTTCCCCGGGCCGCGCGGTTGGC-3'

ClinVar aggregate classification (germline): Pathogenic/Likely pathogenic. Review status: criteria provided, multiple submitters, no conflicts (2 of 4 stars). 3 submissions from 3 submitters: Pathogenic (1); Likely pathogenic (2). Last evaluated 2026-01-24.

Conditions:
Inborn genetic diseases. Identifiers: MedGen C0950123, MeSH D030342.
Developmental and epileptic encephalopathy, 1 (DEE1). Also called: OHTAHARA SYNDROME, X-LINKED; Epileptic encephalopathy, early infantile, 1; INFANTILE SPASM SYNDROME, X-LINKED 1; X-linked infantile spasms; West's syndrome; Tonic spasms with clustering, arrest of psychomotor development and hypsarrhythmia on EEG. Identifiers: MedGen C3463992, MONDO:0010632, OMIM 308350. Disease mechanism: loss of function.
Intellectual disability, X-linked, with or without seizures, ARX-related. Also called: INTELLECTUAL DEVELOPMENTAL DISORDER, X-LINKED 29; MENTAL RETARDATION, X-LINKED 29; MENTAL RETARDATION, X-LINKED 32; MENTAL RETARDATION, X-LINKED 33; MENTAL RETARDATION, X-LINKED 38; MENTAL RETARDATION, X-LINKED 43. Identifiers: Orphanet 777, MedGen C0796244, MONDO:0010317, OMIM 300419.

Submissions (3):

Labcorp Genetics (formerly Invitae), Labcorp
Classification: Likely pathogenic for Developmental and epileptic encephalopathy, 1; Intellectual disability, X-linked, with or without seizures, ARX-related. Last evaluated: 2026-01-24. Review status: criteria provided, single submitter. Criteria: Invitae Variant Classification Sherloc (09022015). Collection method: clinical testing. Allele origin: germline.
Comment: This variant, c.426_449dup, results in the insertion of 8 amino acid(s) of the ARX protein (p.Gly143_Ala150dup), but otherwise preserves the integrity of the reading frame. The frequency data for this variant in the population databases is considered unreliable, as metrics indicate insufficient coverage at this position in the gnomAD database. A different variant (c.428_451dup) giving rise to the same protein effect has been determined to be pathogenic (PMID: 16235064, 17331656, 20506206, 21204215, 26029707). This suggests that this variant is also likely to be causative of disease. ClinVar contains an entry for this variant (Variation ID: 590101). In summary, the currently available evidence indicates that the variant is pathogenic, but additional data are needed to prove that conclusively. Therefore, this variant has been classified as Likely Pathogenic.

Women's Health and Genetics/Laboratory Corporation of America, LabCorp
Classification: Likely pathogenic for Intellectual disability, X-linked, with or without seizures, ARX-related. Last evaluated: 2024-01-30. Review status: criteria provided, single submitter. Criteria: LabCorp Variant Classification Summary - May 2015. Collection method: clinical testing. Allele origin: germline.
Comment: Variant summary: ARX c.426_449dup24 (p.Gly143_Ala150dup) results in an in-frame duplication that is predicted to duplicate 8 amino acids into the encoded protein. The variant allele was found at a frequency of 1.9e-05 in 794926 control chromosomes, including 2 hemizygotes. A similar variant c.428_451dup24 with the same p.Gly143_Ala150dup has been reported in the literature in multiple individuals affected with nonsyndromic X-linked intellecual disability, Partington syndrome or clinical features of Partington syndrome, or X-linked infantile spasm (e.g. Poirier_2006). These data indicate that the variant is very likely to be associated with disease. To our knowledge, no experimental evidence demonstrating an impact on protein function has been reported. The following publication has been ascertained in the context of this evaluation (PMID: 16235064). ClinVar contains an entry for this variant (Variation ID: 590101). Based on the evidence outlined above, the variant was classified as likely pathogenic.

Ambry Genetics
Classification: Pathogenic for Inborn genetic diseases. Last evaluated: 2017-03-09. Review status: criteria provided, single submitter. Criteria: Ambry Variant Classification Scheme 2023. Collection method: clinical testing. Allele origin: germline.
Comment: The c.426_449dup24 pathogenic mutation (also known as p.G143_A150dup), located in coding exon 2 of the ARX gene, results from an in-frame duplication of 24 nucleotides at nucleotide positions 426 to 449. This results in the duplication of 8 extra residues (GAAAAAAA) between codons 143 and 150. This mutation has also been referred to as c.428-451dup24 in the literature and has been described in more than thirty males with a variety of phenotypes including West syndrome, Partington syndrome, and X-linked intellectual disability with and without hypsarrhythmia (Str&oslash;mme P, et al. Nat. Genet. 2002; 30(4):441-5. Str&oslash;mme P, et al. J. Med. Genet. 1999; 36(5):374-8. Turner G, et al. Am. J. Med. Genet. 2002; 112(4):405-11. Kato M, et al. Neurology 2003; 61(2):267-76. Bienvenu T, et al. Hum. Mol. Genet. 2002; 11(8):981-91. Partington MW, et al. Clin. Genet. 2004; 66(1):39-45. Partington MW, et al. Am. J. Med. Genet.;30(1-2):251-62). In one study, this mutation was detected as a de novo occurrence in an individual with West syndrome (Kato M, et al. Neurology 2003; 61(2):267-76). In two additional studies, this mutation segregated with disease in thirteen individuals from two separate families (Turner G, et al. Am. J. Med. Genet. 2002; 112(4):405-11. Bienvenu T, et al. Hum. Mol. Genet. 2002; 11(8):981-91). Based on the supporting evidence, this alteration is interpreted as a disease-causing mutation.

Literature cited by the submitters: PubMed 16235064 (cited by Labcorp Genetics (formerly Invitae), Labcorp and Women's Health and Genetics/Laboratory Corporation of America, LabCorp); PubMed 17331656 (cited by Labcorp Genetics (formerly Invitae), Labcorp); PubMed 20506206 (cited by Labcorp Genetics (formerly Invitae), Labcorp); PubMed 21204215 (cited by Labcorp Genetics (formerly Invitae), Labcorp); PubMed 26029707 (cited by Labcorp Genetics (formerly Invitae), Labcorp and Ambry Genetics).